The following is an entry in ClinVar:

ClinVar aggregate classification (germline): Benign/Likely benign. Review status: criteria provided, multiple submitters, no conflicts (2 of 4 stars). 3 submissions from 3 submitters: Benign (2); Likely benign (1). Last evaluated 2024-11-27.

Allele frequency attached by ClinVar (database versions not stated): gnomAD 0.11686 and 0.12222; TOPMed 0.13479; ExAC 0.13774; 1000 Genomes Project 30x 0.16209; 1000 Genomes Project 0.16374.
gnomAD v4.1: 198,428 of 1,535,720 alleles (13%); highest among the groups gnomAD compares: Admixed American, 41%; 17,121 homozygotes.

Submissions (15):

Blueprint Genetics
Classification: Likely benign. Last evaluated: 2024-11-27. Review status: criteria provided, single submitter. Criteria: ACMG Guidelines, 2015. Collection method: clinical testing. Allele origin: germline.

Laboratory for Molecular Medicine, Mass General Brigham Personalized Medicine
Classification: Benign. Last evaluated: 2016-03-28. Review status: criteria provided, single submitter. Criteria: LMM Criteria. Collection method: clinical testing. Allele origin: germline.
Comment: Variant identified in a genome or exome case(s) and assessed due to predicted null impact of the variant or pathogenic assertions in the literature or databases. Disclaimer: This variant has not undergone full assessment. The following are preliminary notes: Frequency in 1000Genomes: 375/2178=17.21%

Breakthrough Genomics
Classification: Benign. Review status: criteria provided, single submitter. Criteria: ACMG Guidelines, 2015. Collection method: not provided. Allele origin: germline. Inheritance: Autosomal recessive inheritance. Affected: yes.

Dr. Peter K. Rogan Lab, Western University
No classification provided (evidence only). Condition: Lung cancer. Review status: no classification provided. Collection method: in vitro. Allele origin: not applicable. Functional consequence: retained intron. Not counted in ClinVar's aggregate classification.

Dr. Peter K. Rogan Lab, Western University
No classification provided (evidence only). Condition: Acute myeloid leukemia. Review status: no classification provided. Collection method: in vitro. Allele origin: not applicable. Functional consequence: retained intron. Not counted in ClinVar's aggregate classification.

Dr. Peter K. Rogan Lab, Western University
No classification provided (evidence only). Condition: Cholangiocarcinoma. Review status: no classification provided. Collection method: in vitro. Allele origin: not applicable. Functional consequence: retained intron. Not counted in ClinVar's aggregate classification.

Dr. Peter K. Rogan Lab, Western University
No classification provided (evidence only). Condition: Cholangiocarcinoma. Review status: no classification provided. Collection method: in vitro. Allele origin: not applicable. Functional consequence: retained intron. Not counted in ClinVar's aggregate classification.

Dr. Peter K. Rogan Lab, Western University
No classification provided (evidence only). Condition: Cholangiocarcinoma. Review status: no classification provided. Collection method: in vitro. Allele origin: not applicable. Functional consequence: retained intron. Not counted in ClinVar's aggregate classification.

Dr. Peter K. Rogan Lab, Western University
No classification provided (evidence only). Condition: Cholangiocarcinoma. Review status: no classification provided. Collection method: in vitro. Allele origin: not applicable. Functional consequence: retained intron. Not counted in ClinVar's aggregate classification.

Dr. Peter K. Rogan Lab, Western University
No classification provided (evidence only). Condition: Ovarian serous cystadenocarcinoma. Review status: no classification provided. Collection method: in vitro. Allele origin: not applicable. Functional consequence: retained intron. Not counted in ClinVar's aggregate classification.

Dr. Peter K. Rogan Lab, Western University
No classification provided (evidence only). Condition: Ovarian serous cystadenocarcinoma. Review status: no classification provided. Collection method: in vitro. Allele origin: not applicable. Functional consequence: retained intron. Not counted in ClinVar's aggregate classification.

Dr. Peter K. Rogan Lab, Western University
No classification provided (evidence only). Condition: Ovarian serous cystadenocarcinoma. Review status: no classification provided. Collection method: in vitro. Allele origin: not applicable. Functional consequence: retained intron. Not counted in ClinVar's aggregate classification.

Dr. Peter K. Rogan Lab, Western University
No classification provided (evidence only). Condition: Ovarian serous cystadenocarcinoma. Review status: no classification provided. Collection method: in vitro. Allele origin: not applicable. Functional consequence: retained intron. Not counted in ClinVar's aggregate classification.

Dr. Peter K. Rogan Lab, Western University
No classification provided (evidence only). Condition: Gastric cancer. Review status: no classification provided. Collection method: in vitro. Allele origin: not applicable. Functional consequence: retained intron. Not counted in ClinVar's aggregate classification.

Dr. Peter K. Rogan Lab, Western University
No classification provided (evidence only). Condition: Uterine carcinosarcoma. Review status: no classification provided. Collection method: in vitro. Allele origin: not applicable. Functional consequence: retained intron. Not counted in ClinVar's aggregate classification.

NM_001270974.2(HYDIN):c.-120T>C

Gene: HYDIN (HYDIN axonemal central pair apparatus protein; minus strand). Cytogenetic location: 16q22.2.
Variant type: single nucleotide variant.
Coding change: c.-120T>C on transcript NM_001270974.2 (MANE Select); 120 bases upstream of the start codon, T replaced by C.
Molecular consequence: 5 prime UTR variant. On other transcripts: splice donor variant (1), synonymous variant (1).
Genome position (GRCh38, 1-based): chr16:71,230,658, A>G on the plus strand (T>C on the coding strand, the complement: HYDIN is on the minus strand). VCF-style: chr16-71230658-A-G. GRCh37 (hg19) VCF-style: chr16-71264561-A-G.
Other names: c.-120T>C (NM_017558.5); c.28+2T>C (NM_001198543.1); c.30T>C, p.Gly10= (NM_001198542.1).
Identifiers: ClinVar variation 402960 (VCV000402960.7), dbSNP rs3743953, ClinGen allele CA8151758.